The following is an entry in ClinVar:

NM_001330078.2(NRXN1):c.2983A>C (p.Arg995=)

Gene: NRXN1 (neurexin 1; minus strand). Cytogenetic location: 2p16.3.
Variant type: single nucleotide variant.
Coding change: c.2983A>C on transcript NM_001330078.2 (MANE Select); coding-DNA position 2983, A replaced by C.
Protein change: p.Arg995=; no amino-acid change (arginine 995 retained).
Molecular consequence: synonymous variant.
Genome position (GRCh38, 1-based): chr2:50,495,992, T>G on the plus strand (A>C on the coding strand, the complement: NRXN1 is on the minus strand). VCF-style: chr2-50495992-T-G. GRCh37 (hg19) VCF-style: chr2-50723130-T-G.
Other names: c.3103A>C, p.Arg1035= (NM_001135659.3); c.2959A>C, p.Arg987= (NM_001330077.2, NM_001330082.2); c.2917A>C, p.Arg973= (NM_001330083.2, NM_001330084.2); c.2956A>C, p.Arg986= (NM_001330085.2); c.2983A>C, p.Arg995= (NM_001330086.2, NM_004801.6); c.2872A>C, p.Arg958= (NM_001330087.2, NM_001330096.2); c.2902A>C, p.Arg968= (NM_001330088.2); c.2980A>C, p.Arg994= (NM_001330093.2); and 2 more.
Identifiers: ClinVar variation 387236 (VCV000387236.3), dbSNP rs780193876, ClinGen allele CA1654695.

ClinVar aggregate classification (germline): Likely benign. Review status: criteria provided, multiple submitters, no conflicts (2 of 4 stars). 2 submissions from 2 submitters: Likely benign (2). Last evaluated 2024-03-03.

Conditions:
Pitt-Hopkins-like syndrome 2 (PTHSL2). Identifiers: Orphanet 221150, Orphanet 600663, MedGen C3280479, MONDO:0013690, OMIM 614325.

Allele frequency attached by ClinVar (database versions not stated): gnomAD exomes below 0.00001; ExAC 0.00001; gnomAD 0.00001.
gnomAD v4.1: 2 of 1,613,658 alleles (0.00012%); highest among the groups gnomAD compares: African/African-American, 0.0013%; no homozygotes.

Submissions (2):

Labcorp Genetics (formerly Invitae), Labcorp
Classification: Likely benign for Pitt-Hopkins-like syndrome 2. Last evaluated: 2024-03-03. Review status: criteria provided, single submitter. Criteria: Invitae Variant Classification Sherloc (09022015). Collection method: clinical testing. Allele origin: germline.

GeneDx
Classification: Likely benign. Last evaluated: 2016-06-28. Review status: criteria provided, single submitter. Criteria: GeneDx Variant Classification (06012015). Collection method: clinical testing. Allele origin: germline. Affected: yes.
Comment: This variant is considered likely benign or benign based on one or more of the following criteria: it is a conservative change, it occurs at a poorly conserved position in the protein, it is predicted to be benign by multiple in silico algorithms, and/or has population frequency not consistent with disease.